The following is an entry in ClinVar:

ClinVar aggregate classification (germline): Uncertain significance (1 of 4 stars; one submission).

Allele frequency attached by ClinVar (database versions not stated): gnomAD exomes below 0.00001.
gnomAD v4.1: 1 of 1,551,642 alleles (0.000064%); highest among the groups gnomAD compares: Middle Eastern, 0.017%; no homozygotes.

Submission:

Labcorp Genetics (formerly Invitae), Labcorp
Classification: Uncertain significance. Last evaluated: 2023-08-03. Review status: criteria provided, single submitter. Criteria: Invitae Variant Classification Sherloc (09022015). Collection method: clinical testing. Allele origin: germline.
Comment: This variant is not present in population databases (gnomAD no frequency). In summary, the available evidence is currently insufficient to determine the role of this variant in disease. Therefore, it has been classified as a Variant of Uncertain Significance. An algorithm developed to predict the effect of missense changes on protein structure and function (PolyPhen-2) suggests that this variant is likely to be disruptive. This missense change has been observed in individual(s) with congenital ichthyosis (Invitae). This sequence change replaces proline, which is neutral and non-polar, with leucine, which is neutral and non-polar, at codon 40 of the PNPLA1 protein (p.Pro40Leu).

NM_001374623.1(PNPLA1):c.119C>T (p.Pro40Leu)

Gene: PNPLA1 (patatin like domain 1, omega-hydroxyceramide transacylase; plus strand). Cytogenetic location: 6p21.31.
Variant type: single nucleotide variant.
Coding change: c.119C>T on transcript NM_001374623.1 (MANE Select); coding-DNA position 119, C replaced by T.
Protein change: p.Pro40Leu; replaces proline 40 with leucine.
Molecular consequence: missense variant. On other transcripts: intron variant (2).
Genome position (GRCh38, 1-based): chr6:36,270,578, C>T. VCF-style: chr6-36270578-C-T. GRCh37 (hg19) VCF-style: chr6-36238355-C-T.
Other names: c.119C>T, p.Pro40Leu (NM_001145717.1); c.-80-20742C>T (NM_001145716.2, NM_173676.2); short protein forms P40L.
Identifiers: ClinVar variation 2749842 (VCV002749842.3), dbSNP rs2533146909, ClinGen allele CA363805301.